The following is an entry in ClinVar:

NM_004820.5(CYP7B1):c.530C>T (p.Thr177Met)

Gene: CYP7B1 (cytochrome P450 family 7 subfamily B member 1; minus strand). Cytogenetic location: 8q12.3.
Variant type: single nucleotide variant.
Coding change: c.530C>T on transcript NM_004820.5 (MANE Select); coding-DNA position 530, C replaced by T.
Protein change: p.Thr177Met; replaces threonine 177 with methionine.
Molecular consequence: missense variant.
Genome position (GRCh38, 1-based): chr8:64,616,011, G>A on the plus strand (C>T on the coding strand, the complement: CYP7B1 is on the minus strand). VCF-style: chr8-64616011-G-A. GRCh37 (hg19) VCF-style: chr8-65528568-G-A.
Other names: p.Thr177Met; c.530C>T, p.Thr177Met (NM_001324112.2); c.530C>T (NM_004820.4); short protein forms T177M.
Identifiers: ClinVar variation 288705 (VCV000288705.18), dbSNP rs145152682, ClinGen allele CA4764191.

ClinVar aggregate classification (germline): Conflicting classifications of pathogenicity. Review status: criteria provided, conflicting classifications (1 of 4 stars). 7 submissions from 7 submitters: Uncertain significance (5); Likely benign (2). Last evaluated 2026-07-24.

Conditions:
Spastic paraplegia. Identifiers: MedGen C0037772, HP:0001258.
Hereditary spastic paraplegia 5A (SPG5A). Also called: SPASTIC PARAPLEGIA 5A, AUTOSOMAL RECESSIVE. Identifiers: Orphanet 100986, MedGen C1849115, MONDO:0010047, OMIM 270800.
Congenital bile acid synthesis defect 3. Identifiers: Orphanet 79302, MedGen C3151147, MONDO:0013439, OMIM 613812.
CYP7B1-related disorder. Also called: CYP7B1-related condition.

Allele frequency attached by ClinVar (database versions not stated): ESP Exome Variant Server 0.00023; gnomAD exomes 0.00027 and 0.00038; ExAC 0.00035; 1000 Genomes Project 0.00040; 1000 Genomes Project 30x 0.00047; TOPMed 0.00052; gnomAD 0.00053 and 0.00054.
gnomAD v4.1: 481 of 1,613,652 alleles (0.03%); highest among the groups gnomAD compares: Middle Eastern, 0.69%; no homozygotes.

Submissions (7):

PreventionGenetics, part of Exact Sciences
Classification: Uncertain significance for CYP7B1-related condition. Last evaluated: 2026-07-24. Review status: criteria provided, single submitter. Criteria: ACMG Guidelines, 2015. Collection method: clinical testing. Allele origin: germline.
Comment: The CYP7B1 c.530C>T variant is predicted to result in the amino acid substitution p.Thr177Met. To our knowledge, this variant has not been reported in the literature. This variant is reported in 0.11% of alleles in individuals of Latino descent in gnomAD, which may be too frequent for a disease-associated variant. Although we suspect this variant may be benign, at this time, the clinical significance of this variant is uncertain due to the absence of conclusive functional and genetic evidence.

Labcorp Genetics (formerly Invitae), Labcorp
Classification: Likely benign for Spastic paraplegia. Last evaluated: 2026-01-17. Review status: criteria provided, single submitter. Criteria: Invitae Variant Classification Sherloc (09022015). Collection method: clinical testing. Allele origin: germline.

Mayo Clinic Laboratories, Mayo Clinic
Classification: Uncertain significance. Last evaluated: 2024-11-27. Review status: criteria provided, single submitter. Criteria: ACMG Guidelines, 2015. Collection method: clinical testing. Allele origin: germline. Observed: 3 variant alleles.

3billion
Classification: Likely benign for Congenital bile acid synthesis defect 3; Hereditary spastic paraplegia 5A. Last evaluated: 2024-09-20. Review status: criteria provided, single submitter. Criteria: ACMG Guidelines, 2015. Collection method: clinical testing. Allele origin: germline. Affected: no.
Comment: The homozygous variant was found in patients diagnosed with another variant in a different gene, with no symptoms related to the gene containing the homozygous variant.

Baylor Genetics
Classification: Uncertain significance for Congenital bile acid synthesis defect 3. Last evaluated: 2020-05-05. Review status: criteria provided, single submitter. Criteria: ACMG Guidelines, 2015. Collection method: clinical testing. Allele origin: unknown. Affected: yes.
Comment: This variant was determined to be of uncertain significance according to ACMG Guidelines, 2015 [PMID:25741868].

Eurofins Ntd Llc (ga)
Classification: Uncertain significance. Last evaluated: 2018-05-01. Review status: criteria provided, single submitter. Criteria: EGL ClinVar v180209 classification definitions. Collection method: clinical testing. Allele origin: germline. Observed: 8 variant alleles, 8 heterozygotes.

Breakthrough Genomics
Classification: Uncertain significance. Review status: criteria provided, single submitter. Criteria: ACMG Guidelines, 2015. Collection method: not provided. Allele origin: germline. Inheritance: Autosomal recessive inheritance. Affected: yes.